The following is an entry in ClinVar:

ClinVar aggregate classification (germline): Pathogenic/Likely pathogenic. Review status: criteria provided, multiple submitters, no conflicts (2 of 4 stars). 4 submissions from 4 submitters: Pathogenic (3); Likely pathogenic (1). Last evaluated 2020-11-06.

Conditions:
Cerebral cavernous malformation (CCM). Also called: CAVERNOUS ANGIOMA, FAMILIAL; CAVERNOUS ANGIOMATOUS MALFORMATIONS; CEREBRAL CAPILLARY MALFORMATIONS; Cavernous Hemangioma of Brain; Cerebral cavernous malformations; Cerebral cavernous hemangioma (type). Identifiers: Orphanet 221061, MedGen C2919945, MONDO:0000820, OMIM 116860, HP:0033522.

Submissions (4):

Labcorp Genetics (formerly Invitae), Labcorp
Classification: Pathogenic for Cerebral cavernous malformation. Last evaluated: 2020-11-06. Review status: criteria provided, single submitter. Criteria: Invitae Variant Classification Sherloc (09022015). Collection method: clinical testing. Allele origin: germline.
Comment: This variant has not been reported in the literature in individuals with KRIT1-related disease. ClinVar contains an entry for this variant (Variation ID: 286066). This variant is not present in population databases (ExAC no frequency). This sequence change creates a premature translational stop signal (p.Gln239*) in the KRIT1 gene. It is expected to result in an absent or disrupted protein product. Loss-of-function variants in KRIT1 are known to be pathogenic (PMID: 10508515, 11222804, 12404106). For these reasons, this variant has been classified as Pathogenic.

PreventionGenetics, part of Exact Sciences
Classification: Pathogenic. Last evaluated: 2018-08-12. Review status: criteria provided, single submitter. Criteria: ACMG Guidelines, 2015. Collection method: clinical testing. Allele origin: germline.

Athena Diagnostics
Classification: Likely pathogenic. Last evaluated: 2016-10-05. Review status: criteria provided, single submitter. Criteria: Athena Diagnostics Criteria. Collection method: clinical testing. Allele origin: germline.

Eurofins Ntd Llc (ga)
Classification: Pathogenic. Last evaluated: 2016-01-26. Review status: criteria provided, single submitter. Criteria: EGL Classification Definitions 2015. Collection method: clinical testing. Allele origin: germline. Observed: 1 variant allele, 1 heterozygote.

Literature cited by the submitters: PubMed 10508515 (cited by Labcorp Genetics (formerly Invitae), Labcorp); PubMed 11222804 (cited by Labcorp Genetics (formerly Invitae), Labcorp); PubMed 12404106 (cited by Labcorp Genetics (formerly Invitae), Labcorp).

NM_194454.3(KRIT1):c.715C>T (p.Gln239Ter)

Gene: KRIT1 (KRIT1 ankyrin repeat containing; minus strand). Cytogenetic location: 7q21.2.
Variant type: single nucleotide variant.
Coding change: c.715C>T on transcript NM_194454.3 (MANE Select); coding-DNA position 715, C replaced by T.
Protein change: p.Gln239Ter; replaces glutamine 239 with a stop codon.
Molecular consequence: nonsense. On other transcripts: intron variant (1).
Genome position (GRCh38, 1-based): chr7:92,235,417, G>A on the plus strand (C>T on the coding strand, the complement: KRIT1 is on the minus strand). VCF-style: chr7-92235417-G-A. GRCh37 (hg19) VCF-style: chr7-91864731-G-A.
Other names: c.715C>T, p.Gln239Ter (NM_001013406.2, NM_001350669.1, NM_001350670.1 and 29 more transcripts); c.15+117C>T (NM_001350671.1); short protein forms Q239*.
Identifiers: ClinVar variation 286066 (VCV000286066.12), dbSNP rs886043300, ClinGen allele CA10605352.